The following is an entry in ClinVar:

NM_025179.4(PLXNA2):c.4864+1G>A

Gene: PLXNA2 (plexin A2; minus strand). Cytogenetic location: 1q32.2.
Variant type: single nucleotide variant.
Coding change: c.4864+1G>A on transcript NM_025179.4 (MANE Select); the canonical splice donor site of the intron after coding-DNA position 4864, G replaced by A.
Molecular consequence: splice donor variant.
Genome position (GRCh38, 1-based): chr1:208,034,492, C>T on the plus strand (G>A on the coding strand, the complement: PLXNA2 is on the minus strand). VCF-style: chr1-208034492-C-T. GRCh37 (hg19) VCF-style: chr1-208207837-C-T.
Identifiers: ClinVar variation 2104640 (VCV002104640.4), dbSNP rs2526420775, ClinGen allele CA344561017.
Genomic context (GRCh38, chr1:208,034,492, plus strand): 5'-GCCCTGCTAGGTCTCAGAAGACTCTGCTCTGAGCTGCCCAGTCTGCCCTCGTGGTTCTCA[C>T]CGTATCTGCTGATGGACGTCCGGGAGATGCTGGCAGAGGCAGGGATGTTGTAGGAGGAGG-3'

ClinVar aggregate classification (germline): Uncertain significance (1 of 4 stars; one submission).

Submission:

Labcorp Genetics (formerly Invitae), Labcorp
Classification: Uncertain significance. Last evaluated: 2022-05-27. Review status: criteria provided, single submitter. Criteria: Invitae Variant Classification Sherloc (09022015). Collection method: clinical testing. Allele origin: germline.
Comment: Algorithms developed to predict the effect of sequence changes on RNA splicing suggest that this variant may disrupt the consensus splice site. This sequence change affects a donor splice site in intron 27 of the PLXNA2 gene. It is expected to disrupt RNA splicing. Variants that disrupt the donor or acceptor splice site typically lead to a loss of protein function (PMID: 16199547), however the current clinical and genetic evidence is not sufficient to establish whether loss-of-function variants in PLXNA2 cause disease. This variant is not present in population databases (gnomAD no frequency). This variant has not been reported in the literature in individuals affected with PLXNA2-related conditions. In summary, the available evidence is currently insufficient to determine the role of this variant in disease. Therefore, it has been classified as a Variant of Uncertain Significance.

Literature cited by the submitters: PubMed 16199547.